The following is an entry in ClinVar:

ClinVar aggregate classification (germline): Likely pathogenic (1 of 4 stars; one submission).

Conditions:
Leber congenital amaurosis (LCA). Also called: Leber's amaurosis. Identifiers: Orphanet 65, MedGen C0339527, MeSH D057130, MONDO:0018998.

Submission:

Natera, Inc.
Classification: Likely pathogenic for Leber congenital amaurosis. Last evaluated: 2024-12-19. Review status: criteria provided, single submitter. Criteria: Natera Variant Classification Schema (03/2026). Collection method: clinical testing. Allele origin: germline.
Comment: The c.6642_6645del variant in CEP290 is a frameshift variant predicted to shift the reading frame beginning at codon 2216 and leads to a stop codon 9 codons downstream. This variant is expected to result in nonsense mediated decay, truncation, or a dysfunctional protein product. This variant is rare in the general population with a frequency below the threshold expected for the associated phenotype(s). Given the available evidence, this variant is classified as Likely Pathogenic.

NM_025114.4(CEP290):c.6642_6645del (p.Glu2216fs)

Gene: CEP290 (centrosomal protein 290; minus strand). Cytogenetic location: 12q21.32.
Variant type: Deletion.
Coding change: c.6642_6645del on transcript NM_025114.4 (MANE Select); coding-DNA positions 6642 to 6645, 4 bases deleted (AAAA; older notation c.6642_6645delAAAA).
Protein change: p.Glu2216fs; shifts the reading frame from glutamic acid 2216.
Molecular consequence: frameshift variant.
Genome position (GRCh38, 1-based): chr12:88,059,898-88,059,901, TTTT deleted on the plus strand (AAAA on the coding strand, the reverse complement: CEP290 is on the minus strand); deleting any 4 consecutive bases within chr12:88,059,898-88,059,903 gives the same sequence; the c. name uses the placement nearest the transcript's 3' end. VCF-style (leftmost placement, unchanged base first): chr12-88059897-CTTTT-C. GRCh37 (hg19) VCF-style: chr12-88453674-CTTTT-C.
Other names: short protein forms E2216fs.
Identifiers: ClinVar variation 4816235 (VCV004816235.1).